The following is an entry in ClinVar:

ClinVar aggregate classification (germline): Uncertain significance (1 of 4 stars; one submission).

Submission:

GeneDx
Classification: Uncertain significance. Last evaluated: 2024-12-11. Review status: criteria provided, single submitter. Criteria: GeneDx Variant Classification Process June 2021. Collection method: clinical testing. Allele origin: germline. Affected: yes.
Comment: Not observed at significant frequency in large population cohorts (gnomAD); In silico analysis indicates that this variant does not alter splicing; Has not been previously published as pathogenic or benign to our knowledge

NM_017433.5(MYO3A):c.1924C>A (p.Arg642=)

Gene: MYO3A (myosin IIIA; plus strand). Cytogenetic location: 10p12.1.
Variant type: single nucleotide variant.
Coding change: c.1924C>A on transcript NM_017433.5 (MANE Select); coding-DNA position 1924, C replaced by A.
Protein change: p.Arg642=; no amino-acid change (arginine 642 retained).
Molecular consequence: synonymous variant.
Genome position (GRCh38, 1-based): chr10:26,125,418, C>A. VCF-style: chr10-26125418-C-A. GRCh37 (hg19) VCF-style: chr10-26414347-C-A.
Identifiers: ClinVar variation 3903313 (VCV003903313.1).
Genomic context (GRCh38, chr10:26,125,418, plus strand): 5'-GCCATAATTTCTTCTAACAATGCATCTGTTTGTTTTTCAGGTGCTTCTTTGCTTTGCATT[C>A]GGGCAGATGAGCTACAAGAAGCTCTCACCTCCCACTGTGTGGTCACTAGAGGAGAAACAA-3'
Protein context (NP_059129.3, residues 632-652): LENCASLLCI[Arg642=]ADELQEALTS